The following is an entry in ClinVar:

NM_007186.6(CEP250):c.1210-4A>G

Genes: CEP250-AS1 (CEP250 antisense RNA 1; minus strand), CEP250 (centrosomal protein 250; plus strand). Cytogenetic location: 20q11.22.
Variant type: single nucleotide variant.
Coding change: c.1210-4A>G on transcript NM_007186.6 (MANE Select); 4 bases into the intron before coding-DNA position 1210, A replaced by G.
Molecular consequence: intron variant.
Genome position (GRCh38, 1-based): chr20:35,473,370, A>G. VCF-style: chr20-35473370-A-G. GRCh37 (hg19) VCF-style: chr20-34061195-A-G.
Other names: c.-690-4A>G (NM_001318219.1); c.1210-4A>G (NM_007186.5).
Identifiers: ClinVar variation 1169903 (VCV001169903.12), dbSNP rs200428450, ClinGen allele CA9832859.
Genomic context (GRCh38, chr20:35,473,370, plus strand): 5'-GGGGTTCTGACATCCCTCCTTTGCCCTTGTTCATCATCTGGTTTCTCTTGCTCTCTCTCC[A>G]CAGGACCTAAGGCAGCAGCTTGCAGGCTGTCAAGAGGCTGTGAACTTGTTGCAACAGCAG-3'

ClinVar aggregate classification (germline): Benign/Likely benign. Review status: criteria provided, multiple submitters, no conflicts (2 of 4 stars). 4 submissions from 4 submitters: Benign (2); Likely benign (2). Last evaluated 2026-09-18.

Conditions:
CEP250-related disorder. Also called: CEP250-related condition.

Allele frequency attached by ClinVar (database versions not stated): gnomAD 0.00007; ESP Exome Variant Server 0.00015; gnomAD exomes 0.00016 and 0.00019; ExAC 0.00025.
gnomAD v4.1: 244 of 1,610,498 alleles (0.015%); highest among the groups gnomAD compares: Middle Eastern, 0.25%; no homozygotes.

Submissions (4):

PreventionGenetics, part of Exact Sciences
Classification: Likely benign for CEP250-related condition. Last evaluated: 2026-09-18. Review status: criteria provided, single submitter. Criteria: ACMG Guidelines, 2015. Collection method: clinical testing. Allele origin: germline.
Comment: This variant is classified as likely benign based on ACMG/AMP sequence variant interpretation guidelines (Richards et al. 2015 PMID: 25741868, with internal and published modifications).

Labcorp Genetics (formerly Invitae), Labcorp
Classification: Benign. Last evaluated: 2025-12-01. Review status: criteria provided, single submitter. Criteria: Invitae Variant Classification Sherloc (09022015). Collection method: clinical testing. Allele origin: germline.

Blueprint Genetics
Classification: Likely benign. Last evaluated: 2024-09-17. Review status: criteria provided, single submitter. Criteria: ACMG Guidelines, 2015. Collection method: clinical testing. Allele origin: germline.

Breakthrough Genomics
Classification: Benign. Review status: criteria provided, single submitter. Criteria: ACMG Guidelines, 2015. Collection method: not provided. Allele origin: germline. Inheritance: Autosomal recessive inheritance. Affected: yes.